The following is an entry in ClinVar:

ClinVar aggregate classification (germline): Pathogenic (1 of 4 stars; one submission).

Submission:

GeneDx
Classification: Pathogenic. Last evaluated: 2024-05-10. Review status: criteria provided, single submitter. Criteria: GeneDx Variant Classification Process June 2021. Collection method: clinical testing. Allele origin: germline. Affected: yes.
Comment: Not observed at significant frequency in large population cohorts (gnomAD); In silico analysis supports that this missense variant has a deleterious effect on protein structure/function; Has not been previously published as pathogenic or benign to our knowledge

NM_001659.3(ARF3):c.55C>T (p.Arg19Cys)

Gene: ARF3 (ARF GTPase 3; minus strand). Cytogenetic location: 12q13.12.
Variant type: single nucleotide variant.
Coding change: c.55C>T on transcript NM_001659.3 (MANE Select); coding-DNA position 55, C replaced by T.
Protein change: p.Arg19Cys; replaces arginine 19 with cysteine.
Molecular consequence: missense variant.
Genome position (GRCh38, 1-based): chr12:48,941,041, G>A on the plus strand (C>T on the coding strand, the complement: ARF3 is on the minus strand). VCF-style: chr12-48941041-G-A. GRCh37 (hg19) VCF-style: chr12-49334824-G-A.
Other names: c.55C>T, p.Arg19Cys (NM_001412914.1, NM_001412915.1, NM_001412916.1 and 7 more transcripts); short protein forms R19C.
Identifiers: ClinVar variation 3378073 (VCV003378073.1).